The following is an entry in ClinVar:

ClinVar aggregate classification (germline): Uncertain significance (1 of 4 stars; one submission).

Conditions:
ALG9 congenital disorder of glycosylation (CDG1L). Also called: CDG Il; CONGENITAL DISORDER OF GLYCOSYLATION, TYPE Il; ALG9-CDG. Identifiers: Orphanet 79328, MedGen C2931006, MONDO:0012117, OMIM 608776.

Allele frequency attached by ClinVar (database versions not stated): TOPMed below 0.00001.

Submission:

Labcorp Genetics (formerly Invitae), Labcorp
Classification: Uncertain significance for ALG9 congenital disorder of glycosylation. Last evaluated: 2022-02-27. Review status: criteria provided, single submitter. Criteria: Invitae Variant Classification Sherloc (09022015). Collection method: clinical testing. Allele origin: germline.
Comment: In summary, the available evidence is currently insufficient to determine the role of this variant in disease. Therefore, it has been classified as a Variant of Uncertain Significance. Algorithms developed to predict the effect of missense changes on protein structure and function (SIFT, PolyPhen-2, Align-GVGD) all suggest that this variant is likely to be tolerated. This variant has not been reported in the literature in individuals affected with ATP6V0A2-related conditions. This variant is not present in population databases (gnomAD no frequency). This sequence change replaces proline, which is neutral and non-polar, with leucine, which is neutral and non-polar, at codon 494 of the ATP6V0A2 protein (p.Pro494Leu).

NM_012463.4(ATP6V0A2):c.1481C>T (p.Pro494Leu)

Gene: ATP6V0A2 (ATPase H+ transporting V0 subunit a2; plus strand). Cytogenetic location: 12q24.31.
Variant type: single nucleotide variant.
Coding change: c.1481C>T on transcript NM_012463.4 (MANE Select); coding-DNA position 1481, C replaced by T.
Protein change: p.Pro494Leu; replaces proline 494 with leucine.
Molecular consequence: missense variant.
Genome position (GRCh38, 1-based): chr12:123,744,751, C>T. VCF-style: chr12-123744751-C-T. GRCh37 (hg19) VCF-style: chr12-124229298-C-T.
Other names: short protein forms P494L.
Identifiers: ClinVar variation 1939527 (VCV001939527.5), dbSNP rs1005554236, ClinGen allele CA245200807.